The following is an entry in ClinVar:

ClinVar aggregate classification (germline): Likely pathogenic (1 of 4 stars; one submission).

Conditions:
Retinitis pigmentosa (RP). Identifiers: Orphanet 791, MedGen C0035334, MeSH D012174, MONDO:0019200, OMIM 268000. Inheritance: Autosomal dominant, autosomal recessive and X linked inheritance.

Submission:

Women's Health and Genetics/Laboratory Corporation of America, LabCorp
Classification: Likely pathogenic for Retinitis pigmentosa. Last evaluated: 2022-02-18. Review status: criteria provided, single submitter. Criteria: LabCorp Variant Classification Summary - May 2015. Collection method: clinical testing. Allele origin: germline.
Comment: Variant summary: EYS c.5550_5551delAT (p.Glu1850AspfsX12) results in a premature termination codon, predicted to cause a truncation of the encoded protein or absence of the protein due to nonsense mediated decay, which are commonly known mechanisms for disease. Truncations downstream of this position have been classified as pathogenic by our laboratory. The variant was absent in 153682 control chromosomes (gnomAD). To our knowledge, no occurrence of c.5550_5551delAT in individuals affected with Retinitis Pigmentosa and no experimental evidence demonstrating its impact on protein function have been reported. No clinical diagnostic laboratories have submitted clinical-significance assessments for this variant to ClinVar after 2014. Based on the evidence outlined above, the variant was classified as likely pathogenic.

NM_001142800.2(EYS):c.5550_5551del (p.Glu1850fs)

Gene: EYS (EGF-like photoreceptor maintenance factor; minus strand). Cytogenetic location: 6q12.
Variant type: Deletion.
Coding change: c.5550_5551del on transcript NM_001142800.2 (MANE Select); coding-DNA positions 5550 to 5551, 2 bases deleted (AT; older notation c.5550_5551delAT).
Protein change: p.Glu1850fs; shifts the reading frame from glutamic acid 1850.
Molecular consequence: frameshift variant.
Genome position (GRCh38, 1-based): chr6:64,590,316-64,590,317, AT deleted on the plus strand (AT on the coding strand, the reverse complement: EYS is on the minus strand). VCF-style (leftmost placement, unchanged base first): chr6-64590315-AAT-A. GRCh37 (hg19) VCF-style: chr6-65300208-AAT-A.
Other names: c.5550_5551del, p.Glu1850fs (NM_001292009.2); short protein forms E1850fs.
Identifiers: ClinVar variation 1343525 (VCV001343525.1), dbSNP rs2149830970, ClinGen allele CA2573052725.